The following is an entry in ClinVar:

NM_020461.4(TUBGCP6):c.880C>T (p.Arg294Trp)

Gene: TUBGCP6 (tubulin gamma complex component 6; minus strand). Cytogenetic location: 22q13.33.
Variant type: single nucleotide variant.
Coding change: c.880C>T on transcript NM_020461.4 (MANE Select); coding-DNA position 880, C replaced by T.
Protein change: p.Arg294Trp; replaces arginine 294 with tryptophan.
Molecular consequence: missense variant.
Genome position (GRCh38, 1-based): chr22:50,240,229, G>A on the plus strand (C>T on the coding strand, the complement: TUBGCP6 is on the minus strand). VCF-style: chr22-50240229-G-A. GRCh37 (hg19) VCF-style: chr22-50678658-G-A.
Other names: c.880C>T (NM_020461.3); short protein forms R294W.
Identifiers: ClinVar variation 1044976 (VCV001044976.6), dbSNP rs961023483, ClinGen allele CA325481729.
Genomic context (GRCh38, chr22:50,240,229, plus strand): 5'-GGGCACTGCATGCCAAGGCAAAGAAGGGCACACACCAGCCAACTCGCTCCCAGCACCTCC[G>A]CTTGCTGGCCTCATAGGTAAGTGCGGCTTCCCACAGGTCCACGTCTGGGGTCACGCTGGG-3'
Protein context (NP_065194.3, residues 284-304): EAALTYEASK[Arg294Trp]RCWERVGCPP

ClinVar aggregate classification (germline): Uncertain significance. Review status: criteria provided, multiple submitters, no conflicts (2 of 4 stars). 2 submissions from 2 submitters: Uncertain significance (2). Last evaluated 2022-12-05.

Conditions:
Inborn genetic diseases. Identifiers: MedGen C0950123, MeSH D030342.

Allele frequency attached by ClinVar (database versions not stated): gnomAD 0.00001 and 0.00002; gnomAD exomes 0.00001; TOPMed 0.00002.
gnomAD v4.1: 20 of 1,613,924 alleles (0.0012%); highest among the groups gnomAD compares: African/African-American, 0.0027%; no homozygotes.

Submissions (2):

Ambry Genetics
Classification: Uncertain significance for Inborn genetic diseases. Last evaluated: 2022-12-05. Review status: criteria provided, single submitter. Criteria: Ambry Variant Classification Scheme 2023. Collection method: clinical testing. Allele origin: germline.

Labcorp Genetics (formerly Invitae), Labcorp
Classification: Uncertain significance. Last evaluated: 2022-07-12. Review status: criteria provided, single submitter. Criteria: Invitae Variant Classification Sherloc (09022015). Collection method: clinical testing. Allele origin: germline.
Comment: This sequence change replaces arginine, which is basic and polar, with tryptophan, which is neutral and slightly polar, at codon 294 of the TUBGCP6 protein (p.Arg294Trp). This variant is present in population databases (no rsID available, gnomAD 0.0009%). This variant has not been reported in the literature in individuals affected with TUBGCP6-related conditions. ClinVar contains an entry for this variant (Variation ID: 1044976). Algorithms developed to predict the effect of missense changes on protein structure and function are either unavailable or do not agree on the potential impact of this missense change (SIFT: "Deleterious"; PolyPhen-2: "Benign"; Align-GVGD: "Class C0"). In summary, the available evidence is currently insufficient to determine the role of this variant in disease. Therefore, it has been classified as a Variant of Uncertain Significance.